The following is an entry in ClinVar:

NM_001034853.2(RPGR):c.3316_3319del (p.Lys1106fs)

Gene: RPGR (retinitis pigmentosa GTPase regulator; minus strand). Cytogenetic location: Xp11.4.
Variant type: Deletion.
Coding change: c.3316_3319del on transcript NM_001034853.2 (MANE Select); coding-DNA positions 3316 to 3319, 4 bases deleted (AAGT; older notation c.3316_3319delAAGT).
Protein change: p.Lys1106fs; shifts the reading frame from lysine 1106.
Molecular consequence: frameshift variant. On other transcripts: intron variant (8).
Genome position (GRCh38, 1-based): chrX:38,285,680-38,285,683, ACTT deleted on the plus strand (AAGT on the coding strand, the reverse complement: RPGR is on the minus strand). VCF-style (leftmost placement, unchanged base first): chrX-38285679-GACTT-G. GRCh37 (hg19) VCF-style: chrX-38144932-GACTT-G.
Other names: NM_001034853.2(RPGR):c.3316_3319del; p.Lys1106fs; c.1569+5276_1569+5279del (NM_001367249.1, NM_001367250.1); c.1902+1411_1902+1414del (NM_001367245.1); c.1386+5276_1386+5279del (NM_001367251.1); c.1719+1411_1719+1414del (NM_001367246.1); c.1572+5276_1572+5279del (NM_001367247.1); c.1905+1411_1905+1414del (NM_000328.3); and 2 more; short protein forms K1106fs.
Identifiers: ClinVar variation 2138526 (VCV002138526.6), dbSNP rs2519780183, ClinGen allele CA2580100792.

ClinVar aggregate classification (germline): Pathogenic. Review status: reviewed by expert panel (3 of 4 stars). 3 submissions from 3 submitters: Pathogenic (1). 2 of the submissions do not count toward it. Last evaluated 2025-09-07.

Conditions:
Primary ciliary dyskinesia. Also called: Ciliary dyskinesia. Identifiers: Orphanet 244, MedGen C0008780, MONDO:0016575, HP:0012265.
RPGR-related retinopathy. Also called: RPGR retinopathy. Identifiers: MedGen CN305589, MONDO:0100437.

Submissions (3):

ClinGen X-linked Inherited Retinal Disease Variant Curation Expert Panel, ClinGen
Classification: Pathogenic for RPGR-related retinopathy. Last evaluated: 2025-09-07. Review status: reviewed by expert panel. Criteria: ClinGen X LinkedIRD ACMG Specifications RPGR V1.0.0. Collection method: curation. Allele origin: germline. Inheritance: X-linked inheritance.
Comment: NM_001034853.2(RPGR):c.3316_3319del (p.Lys1106GlnfsTer24) is a frameshift variant due to a 4-nucleotide deletion introducing a premature stop codon in exon 15 of 15, which is predicted to disrupt a critical C-terminal region required for proper glutamylation of RPGR (PVS1, PMID: 36445968). This variant is absent from gnomAD v4.1.0 (PM2_Supporting). The variant has been reported to segregate with retinal dystrophy through at least 7 affected meioses from 1 family diagnosed with cone-rod dystrophy (PP1_Moderate; PMID: 12859409). In summary, this variant is classified as pathogenic for RPGR-related retinopathy based on the ClinGen X-linked Inherited Retinal Disease Expert Panel Specifications to the ACMG/AMP Variant Interpretation Guidelines for RPGR Version 1.0.0; PVS1, PM2_Supporting, and PP1_Moderate.

Ambry Genetics
Classification: Pathogenic for Primary ciliary dyskinesia. Last evaluated: 2026-05-20. Review status: criteria provided, single submitter. Criteria: Ambry Variant Classification Scheme 2023. Collection method: clinical testing. Allele origin: germline. Not counted in ClinVar's aggregate classification.
Comment: The c.3316_3319delAAGT (p.K1106Qfs*24) alteration, located in exon 15 (coding exon 15) of the RPGR gene, consists of a deletion of 4 nucleotides from position 3316 to 3319, causing a translational frameshift with a predicted alternate stop codon after 24 amino acids. Frameshift alterations are typically deleterious in nature (Richards, 2015). This variant is not expected to trigger nonsense-mediated mRNA decay and impacts the last 4% of the protein. However, premature stop codons are typically deleterious in nature, and the impacted region is critical for protein function (Ambry internal data). This variant was not reported in population-based cohorts in the Genome Aggregation Database (gnomAD). This variant was identified in one or more individuals with features consistent with RPGR-related retinopathy (Rebello, 2003) and segregated with disease in at least one family. Based on the available evidence, this alteration is classified as pathogenic.

Labcorp Genetics (formerly Invitae), Labcorp
Classification: Pathogenic for Primary ciliary dyskinesia. Last evaluated: 2023-08-04. Review status: criteria provided, single submitter. Criteria: Invitae Variant Classification Sherloc (09022015). Collection method: clinical testing. Allele origin: germline. Not counted in ClinVar's aggregate classification.
Comment: This sequence change creates a premature translational stop signal (p.Lys1106Glnfs*24) in the RPGR (ORF15) gene. While this is not anticipated to result in nonsense mediated decay, it is expected to disrupt the last 47 amino acid(s) of the RPGR (ORF15) protein. This variant is not present in population databases (gnomAD no frequency). This premature translational stop signal has been observed in individual(s) with retinitis pigmentosa (PMID: 12859409). This variant is also known as c.1563–1566delAAGT. ClinVar contains an entry for this variant (Variation ID: 2138526). This variant disrupts a region of the RPGR (ORF15) protein in which other variant(s) (p.Leu1130Lysfs*13) have been determined to be pathogenic (PMID: 22264887; Invitae). This suggests that this is a clinically significant region of the protein, and that variants that disrupt it are likely to be disease-causing. For these reasons, this variant has been classified as Pathogenic.

Literature cited by the submitters: PubMed 12859409 (cited by Ambry Genetics and Labcorp Genetics (formerly Invitae), Labcorp); PubMed 22264887 (cited by Labcorp Genetics (formerly Invitae), Labcorp).